The following is an entry in ClinVar:

NM_006363.6(SEC23B):c.937C>T (p.Arg313Cys)

Gene: SEC23B (SEC23 homolog B, COPII component; plus strand). Cytogenetic location: 20p11.23.
Variant type: single nucleotide variant.
Coding change: c.937C>T on transcript NM_006363.6 (MANE Select); coding-DNA position 937, C replaced by T.
Protein change: p.Arg313Cys; replaces arginine 313 with cysteine.
Molecular consequence: missense variant.
Genome position (GRCh38, 1-based): chr20:18,526,475, C>T. VCF-style: chr20-18526475-C-T. GRCh37 (hg19) VCF-style: chr20-18507119-C-T.
Other names: c.937C>T, p.Arg313Cys (NM_001172745.3, NM_032985.6, NM_032986.5); c.883C>T, p.Arg295Cys (NM_001172746.3); short protein forms R313C, R295C.
Identifiers: ClinVar variation 2920946 (VCV002920946.4), dbSNP rs111758941, ClinGen allele CA312396291.

ClinVar aggregate classification (germline): Conflicting classifications of pathogenicity. Review status: criteria provided, conflicting classifications (1 of 4 stars). 2 submissions from 2 submitters: Likely pathogenic (1); Uncertain significance (1). Last evaluated 2023-05-24.

Conditions:
Congenital dyserythropoietic anemia, type II (CDAN2). Also called: DYSERYTHROPOIETIC ANEMIA, HEMPAS TYPE. Identifiers: Orphanet 98873, MedGen C1306589, MONDO:0009134, OMIM 224100.
Cowden syndrome 7 (CWS7). Identifiers: Orphanet 201, MedGen C4225179, MONDO:0014802, OMIM 616858.

Allele frequency attached by ClinVar (database versions not stated): TOPMed below 0.00001; gnomAD 0.00001; gnomAD exomes 0.00001.
gnomAD v4.1: 18 of 1,614,006 alleles (0.0011%); highest among the groups gnomAD compares: Non-Finnish European, 0.0014%; no homozygotes.

Submissions (2):

ARUP Laboratories, Molecular Genetics and Genomics, ARUP Laboratories
Classification: Uncertain significance. Last evaluated: 2023-05-24. Review status: criteria provided, single submitter. Criteria: ARUP Molecular Germline Variant Investigation Process 2024. Collection method: clinical testing. Allele origin: germline.

Labcorp Genetics (formerly Invitae), Labcorp
Classification: Likely pathogenic for Congenital dyserythropoietic anemia, type II; Cowden syndrome 7. Last evaluated: 2023-05-23. Review status: criteria provided, single submitter. Criteria: Invitae Variant Classification Sherloc (09022015). Collection method: clinical testing. Allele origin: germline.
Comment: This sequence change replaces arginine, which is basic and polar, with cysteine, which is neutral and slightly polar, at codon 313 of the SEC23B protein (p.Arg313Cys). This variant is not present in population databases (gnomAD no frequency). This variant has not been reported in the literature in individuals affected with SEC23B-related conditions. Advanced modeling of protein sequence and biophysical properties (such as structural, functional, and spatial information, amino acid conservation, physicochemical variation, residue mobility, and thermodynamic stability) performed at Invitae indicates that this missense variant is expected to disrupt SEC23B protein function. This variant disrupts the p.Arg313 amino acid residue in SEC23B. Other variant(s) that disrupt this residue have been determined to be pathogenic (PMID: 19561605, 24196372, 25912935). This suggests that this residue is clinically significant, and that variants that disrupt this residue are likely to be disease-causing. In summary, the currently available evidence indicates that the variant is pathogenic, but additional data are needed to prove that conclusively. Therefore, this variant has been classified as Likely Pathogenic.

Literature cited by the submitters: PubMed 19561605 (cited by Labcorp Genetics (formerly Invitae), Labcorp); PubMed 24196372 (cited by Labcorp Genetics (formerly Invitae), Labcorp); PubMed 25912935 (cited by Labcorp Genetics (formerly Invitae), Labcorp).